The following is an entry in ClinVar:

ClinVar aggregate classification (germline): Benign. Review status: criteria provided, single submitter (1 of 4 stars). 2 submissions from 2 submitters: Benign (1). 1 of the submissions does not count toward it. Last evaluated 2019-12-31.

Conditions:
ACACB-related disorder. Also called: ACACB-related condition.

Allele frequency attached by ClinVar (database versions not stated): gnomAD exomes 0.00012 and 0.00048; gnomAD 0.00133 and 0.00136; ESP Exome Variant Server 0.00008; 1000 Genomes Project 30x 0.00094; TOPMed 0.00126; 1000 Genomes Project 0.00080; ExAC 0.00012.
gnomAD v4.1: 368 of 1,607,624 alleles (0.023%); highest among the groups gnomAD compares: Admixed American, 0.59%; 3 homozygotes.

Submissions (2):

Labcorp Genetics (formerly Invitae), Labcorp
Classification: Benign. Last evaluated: 2019-12-31. Review status: criteria provided, single submitter. Criteria: Invitae Variant Classification Sherloc (09022015). Collection method: clinical testing. Allele origin: germline.

PreventionGenetics, part of Exact Sciences
Classification: Likely benign for ACACB-related condition. Last evaluated: 2019-09-26. Review status: no assertion criteria provided. Collection method: clinical testing. Allele origin: germline. Not counted in ClinVar's aggregate classification.
Comment: This variant is classified as likely benign based on ACMG/AMP sequence variant interpretation guidelines (Richards et al. 2015 PMID: 25741868, with internal and published modifications).

NM_001093.4(ACACB):c.4446+8C>T

Gene: ACACB (acetyl-CoA carboxylase beta; plus strand). Cytogenetic location: 12q24.11.
Variant type: single nucleotide variant.
Coding change: c.4446+8C>T on transcript NM_001093.4 (MANE Select); 8 bases into the intron after coding-DNA position 4446, C replaced by T.
Molecular consequence: intron variant.
Genome position (GRCh38, 1-based): chr12:109,235,655, C>T. VCF-style: chr12-109235655-C-T. GRCh37 (hg19) VCF-style: chr12-109673460-C-T.
Identifiers: ClinVar variation 723353 (VCV000723353.6), dbSNP rs187390363, ClinGen allele CA6774394.
Genomic context (GRCh38, chr12:109,235,655, plus strand): 5'-TCTTTTTGCAGAAAGAATTTCCCAAGTTTTTCACATTCAGAGCAAGAGATGAGGTATGGC[C>T]AAAAGTAATGATGTTTTCTCTTCTCTAGCATCTTGTTTTATTTTTTAAGAGATGGGATGG-3'